The following is an entry in ClinVar:

NM_015178.3(RHOBTB2):c.1348C>T (p.His450Tyr)

Gene: RHOBTB2 (Rho related BTB domain containing 2; plus strand). Cytogenetic location: 8p21.3.
Variant type: single nucleotide variant.
Coding change: c.1348C>T on transcript NM_015178.3 (MANE Select); coding-DNA position 1348, C replaced by T.
Protein change: p.His450Tyr; replaces histidine 450 with tyrosine.
Molecular consequence: missense variant.
Genome position (GRCh38, 1-based): chr8:23,007,593, C>T. VCF-style: chr8-23007593-C-T. GRCh37 (hg19) VCF-style: chr8-22865106-C-T.
Other names: c.1414C>T, p.His472Tyr (NM_001160036.2); c.1369C>T, p.His457Tyr (NM_001160037.2); c.1348C>T, p.His450Tyr (NM_001374791.1); c.1414C>T (NM_001160036.1); short protein forms H457Y, H450Y, H472Y.
Identifiers: ClinVar variation 1379982 (VCV001379982.10), dbSNP rs369779273, ClinGen allele CA4672653.

ClinVar aggregate classification (germline): Conflicting classifications of pathogenicity. Review status: criteria provided, conflicting classifications (1 of 4 stars). 3 submissions from 3 submitters: Uncertain significance (2); Likely benign (1). Last evaluated 2025-07-14.

Conditions:
Inborn genetic diseases. Identifiers: MedGen C0950123, MeSH D030342.

Allele frequency attached by ClinVar (database versions not stated): gnomAD 0.00001 and 0.00002; gnomAD exomes 0.00002 and 0.00004; ExAC 0.00004; TOPMed 0.00005; ESP Exome Variant Server 0.00008.
gnomAD v4.1: 39 of 1,614,072 alleles (0.0024%); highest among the groups gnomAD compares: Admixed American, 0.0067%; no homozygotes.

Submissions (3):

Labcorp Genetics (formerly Invitae), Labcorp
Classification: Uncertain significance. Last evaluated: 2025-07-14. Review status: criteria provided, single submitter. Criteria: Invitae Variant Classification Sherloc (09022015). Collection method: clinical testing. Allele origin: germline.
Comment: This sequence change replaces histidine, which is basic and polar, with tyrosine, which is neutral and polar, at codon 472 of the RHOBTB2 protein (p.His472Tyr). This variant is present in population databases (rs369779273, gnomAD 0.008%). This variant has not been reported in the literature in individuals affected with RHOBTB2-related conditions. ClinVar contains an entry for this variant (Variation ID: 1379982). Invitae Evidence Modeling of protein sequence and biophysical properties (such as structural, functional, and spatial information, amino acid conservation, physicochemical variation, residue mobility, and thermodynamic stability) indicates that this missense variant is not expected to disrupt RHOBTB2 protein function with a negative predictive value of 80%. In summary, the available evidence is currently insufficient to determine the role of this variant in disease. Therefore, it has been classified as a Variant of Uncertain Significance.

Ambry Genetics
Classification: Likely benign for Inborn genetic diseases. Last evaluated: 2023-12-22. Review status: criteria provided, single submitter. Criteria: Ambry Variant Classification Scheme 2023. Collection method: clinical testing. Allele origin: germline.

Breakthrough Genomics
Classification: Uncertain significance. Review status: criteria provided, single submitter. Criteria: ACMG Guidelines, 2015. Collection method: not provided. Allele origin: germline. Inheritance: Autosomal recessive inheritance. Affected: yes.